The following is an entry in ClinVar:

ClinVar aggregate classification (germline): Uncertain significance (1 of 4 stars; one submission).

Submission:

ISCA site 4
Classification: Uncertain significance. Last evaluated: 2011-08-12. Review status: criteria provided, single submitter. Criteria: Kaminsky et al. (Genet Med. 2011). Collection method: clinical testing. Allele origin: maternal. Affected: yes. Observed: 1 variant allele.
Comment: Copy number variation identified through the course of routine clinical cytogenomic testing in postnatal populations. Clinical assertions have been curated as described in Kaminsky et al. 2011.

GRCh38/hg38 10q22.3-23.1(chr10:79882162-80327290)x1

Genes: ANXA11 (annexin A11; minus strand), LINC00857 (long intergenic non-protein coding RNA 857; plus strand), MAT1A (methionine adenosyltransferase 1A; minus strand), PLAC9 (placenta associated 9; plus strand), SFTPD (surfactant protein D; minus strand) and 17 more. Cytogenetic location: 10q22.3-23.1.
Variant type: copy number loss.
Change: copy number 1 (one copy instead of two) of chr10:79,882,162-80,327,290 (445.1 kb, GRCh38 coordinates, 1-based), cytogenetic band 10q22.3-23.1.
Identifiers: ClinVar variation 57378 (VCV000057378.1).